The following is an entry in ClinVar:

NM_013432.5(TONSL):c.651G>C (p.Gln217His)

Gene: TONSL (tonsoku like, DNA repair protein; minus strand). Cytogenetic location: 8q24.3.
Variant type: single nucleotide variant.
Coding change: c.651G>C on transcript NM_013432.5 (MANE Select); coding-DNA position 651, G replaced by C.
Protein change: p.Gln217His; replaces glutamine 217 with histidine.
Molecular consequence: missense variant.
Genome position (GRCh38, 1-based): chr8:144,442,340, C>G on the plus strand (G>C on the coding strand, the complement: TONSL is on the minus strand). VCF-style: chr8-144442340-C-G. GRCh37 (hg19) VCF-style: chr8-145667723-C-G.
Other names: short protein forms Q217H.
Identifiers: ClinVar variation 4699645 (VCV004699645.1).

ClinVar aggregate classification (germline): Uncertain significance (1 of 4 stars; one submission).

gnomAD v4.1: 3 of 1,592,566 alleles (0.00019%); highest among the groups gnomAD compares: Non-Finnish European, 0.00026%; no homozygotes.

Submission:

Labcorp Genetics (formerly Invitae), Labcorp
Classification: Uncertain significance. Last evaluated: 2025-07-13. Review status: criteria provided, single submitter. Criteria: Invitae Variant Classification Sherloc (09022015). Collection method: clinical testing. Allele origin: germline.
Comment: This sequence change replaces glutamine, which is neutral and polar, with histidine, which is basic and polar, at codon 217 of the TONSL protein (p.Gln217His). The frequency data for this variant in the population databases is considered unreliable, as metrics indicate poor data quality at this position in the gnomAD database. This variant has not been reported in the literature in individuals affected with TONSL-related conditions. Invitae Evidence Modeling of protein sequence and biophysical properties (such as structural, functional, and spatial information, amino acid conservation, physicochemical variation, residue mobility, and thermodynamic stability) has been performed for this missense variant. However, the output from this modeling did not meet the statistical confidence thresholds required to predict the impact of this variant on TONSL protein function. In summary, the available evidence is currently insufficient to determine the role of this variant in disease. Therefore, it has been classified as a Variant of Uncertain Significance.